The following is an entry in ClinVar:

ClinVar aggregate classification (germline): Uncertain significance. Review status: criteria provided, multiple submitters, no conflicts (2 of 4 stars). 2 submissions from 2 submitters: Uncertain significance (2). Last evaluated 2024-11-13.

Allele frequency attached by ClinVar (database versions not stated): gnomAD 0.00001; gnomAD exomes 0.00001 and 0.00003; ExAC 0.00002; TOPMed 0.00005.
gnomAD v4.1: 24 of 1,614,038 alleles (0.0015%); highest among the groups gnomAD compares: South Asian, 0.012%; no homozygotes.

Submissions (2):

Labcorp Genetics (formerly Invitae), Labcorp
Classification: Uncertain significance. Last evaluated: 2024-11-13. Review status: criteria provided, single submitter. Criteria: Invitae Variant Classification Sherloc (09022015). Collection method: clinical testing. Allele origin: germline.
Comment: This sequence change replaces glycine, which is neutral and non-polar, with arginine, which is basic and polar, at codon 220 of the SIAE protein (p.Gly220Arg). This variant is present in population databases (rs376617224, gnomAD 0.02%). This variant has not been reported in the literature in individuals affected with SIAE-related conditions. ClinVar contains an entry for this variant (Variation ID: 1418337). An algorithm developed to predict the effect of missense changes on protein structure and function (PolyPhen-2) suggests that this variant is likely to be disruptive. In summary, the available evidence is currently insufficient to determine the role of this variant in disease. Therefore, it has been classified as a Variant of Uncertain Significance.

Ambry Genetics
Classification: Uncertain significance. Last evaluated: 2023-03-01. Review status: criteria provided, single submitter. Criteria: Ambry Variant Classification Scheme 2023. Collection method: clinical testing. Allele origin: germline.

NM_170601.5(SIAE):c.658G>A (p.Gly220Arg)

Gene: SIAE (sialic acid acetylesterase; minus strand). Cytogenetic location: 11q24.2.
Variant type: single nucleotide variant.
Coding change: c.658G>A on transcript NM_170601.5 (MANE Select); coding-DNA position 658, G replaced by A.
Protein change: p.Gly220Arg; replaces glycine 220 with arginine.
Molecular consequence: missense variant.
Genome position (GRCh38, 1-based): chr11:124,649,683, C>T on the plus strand (G>A on the coding strand, the complement: SIAE is on the minus strand). VCF-style: chr11-124649683-C-T. GRCh37 (hg19) VCF-style: chr11-124519579-C-T.
Other names: c.553G>A, p.Gly185Arg (NM_001199922.2); c.658G>A (NM_170601.4); short protein forms G185R, G220R.
Identifiers: ClinVar variation 1418337 (VCV001418337.9), dbSNP rs376617224, ClinGen allele CA6341449.
Genomic context (GRCh38, chr11:124,649,683, plus strand): 5'-GTTTAGGGACCCCACAGGCTTTCAGTGACCGTCCAGATGACCAGGCTTCAATGGGTGTCC[C>T]GCCCCAGCTGGAGGCGATCAGCCCGATGGGATACTGCAGAGTGTCATAAAGGTGACGTCC-3'
Protein context (NP_733746.1, residues 210-230): PIGLIASSWG[Gly220Arg]TPIEAWSSGR